The following is an entry in ClinVar:

NM_000059.4(BRCA2):c.8392C>T (p.Pro2798Ser)

Gene: BRCA2 (BRCA2 DNA repair associated; plus strand). Cytogenetic location: 13q13.1.
Variant type: single nucleotide variant.
Coding change: c.8392C>T on transcript NM_000059.4 (MANE Select); coding-DNA position 8392, C replaced by T.
Protein change: p.Pro2798Ser; replaces proline 2798 with serine.
Molecular consequence: missense variant.
Genome position (GRCh38, 1-based): chr13:32,370,462, C>T. VCF-style: chr13-32370462-C-T. GRCh37 (hg19) VCF-style: chr13-32944599-C-T.
Other names: short protein forms P2798S.
Identifiers: ClinVar variation 441367 (VCV000441367.8), dbSNP rs750640009, ClinGen allele CA6941226.

ClinVar aggregate classification (germline): Conflicting classifications of pathogenicity. Review status: criteria provided, conflicting classifications (1 of 4 stars). 2 submissions from 2 submitters: Uncertain significance (1); Likely benign (1). Last evaluated 2022-11-30.

Conditions:
Hereditary cancer-predisposing syndrome. Also called: Hereditary Cancer Syndrome; Hereditary neoplastic syndrome; Neoplastic Syndromes, Hereditary; Tumor predisposition. Identifiers: Orphanet 140162, MedGen C0027672, MeSH D009386, MONDO:0015356.
Hereditary breast ovarian cancer syndrome. Also called: Hereditary breast and ovarian cancer; Breast and ovarian cancer; Hereditary breast and ovarian cancer syndrome; Hereditary breast and/or ovarian cancer syndrome; BRCA1- and BRCA2-Associated Hereditary Breast and Ovarian Cancer; Hereditary breast and ovarian cancer syndrome (HBOC). Identifiers: Orphanet 145, MedGen C0677776, MeSH D061325, MONDO:0003582. Disease mechanism: loss of function.

Allele frequency attached by ClinVar (database versions not stated): gnomAD exomes below 0.00001; ExAC 0.00001.
gnomAD v4.1: 2 of 1,613,868 alleles (0.00012%); highest among the groups gnomAD compares: South Asian, 0.0022%; no homozygotes.

Submissions (2):

Labcorp Genetics (formerly Invitae), Labcorp
Classification: Uncertain significance for Hereditary breast ovarian cancer syndrome. Last evaluated: 2022-11-30. Review status: criteria provided, single submitter. Criteria: Invitae Variant Classification Sherloc (09022015). Collection method: clinical testing. Allele origin: germline.
Comment: ClinVar contains an entry for this variant (Variation ID: 441367). In summary, the available evidence is currently insufficient to determine the role of this variant in disease. Therefore, it has been classified as a Variant of Uncertain Significance. Advanced modeling of protein sequence and biophysical properties (such as structural, functional, and spatial information, amino acid conservation, physicochemical variation, residue mobility, and thermodynamic stability) performed at Invitae indicates that this missense variant is not expected to disrupt BRCA2 protein function. This variant has not been reported in the literature in individuals affected with BRCA2-related conditions. This variant is present in population databases (rs750640009, gnomAD 0.003%). This sequence change replaces proline, which is neutral and non-polar, with serine, which is neutral and polar, at codon 2798 of the BRCA2 protein (p.Pro2798Ser).

Ambry Genetics
Classification: Likely benign for Hereditary cancer-predisposing syndrome. Last evaluated: 2022-01-11. Review status: criteria provided, single submitter. Criteria: Ambry Variant Classification Scheme 2023. Collection method: clinical testing. Allele origin: germline.